The following is an entry in ClinVar:

ClinVar aggregate classification (germline): Uncertain significance (1 of 4 stars; one submission).

Submission:

GeneDx
Classification: Uncertain significance. Last evaluated: 2023-06-13. Review status: criteria provided, single submitter. Criteria: GeneDx Variant Classification Process June 2021. Collection method: clinical testing. Allele origin: germline. Affected: yes.
Comment: Not observed at significant frequency in large population cohorts (gnomAD); In silico analysis supports that this missense variant has a deleterious effect on protein structure/function; Has not been previously published as pathogenic or benign to our knowledge

NM_000937.5(POLR2A):c.4921C>T (p.Pro1641Ser)

Gene: POLR2A (RNA polymerase II subunit A; plus strand). Cytogenetic location: 17p13.1.
Variant type: single nucleotide variant.
Coding change: c.4921C>T on transcript NM_000937.5 (MANE Select); coding-DNA position 4921, C replaced by T.
Protein change: p.Pro1641Ser; replaces proline 1641 with serine.
Molecular consequence: missense variant.
Genome position (GRCh38, 1-based): chr17:7,513,185, C>T. VCF-style: chr17-7513185-C-T. GRCh37 (hg19) VCF-style: chr17-7416504-C-T.
Other names: short protein forms P1641S.
Identifiers: ClinVar variation 3359839 (VCV003359839.1).